The following is an entry in ClinVar:

ClinVar aggregate classification (germline): Uncertain significance. Review status: criteria provided, multiple submitters, no conflicts (2 of 4 stars). 2 submissions from 2 submitters: Uncertain significance (2). Last evaluated 2026-01-07.

Conditions:
Hereditary cancer-predisposing syndrome. Also called: Neoplastic Syndromes, Hereditary; Hereditary neoplastic syndrome; Tumor predisposition; Hereditary Cancer Syndrome. Identifiers: Orphanet 140162, MedGen C0027672, MeSH D009386, MONDO:0015356.
Hereditary nonpolyposis colorectal neoplasms. Identifiers: MedGen C0009405, MeSH D003123.

Submissions (2):

Ambry Genetics
Classification: Uncertain significance for Hereditary cancer-predisposing syndrome. Last evaluated: 2026-01-07. Review status: criteria provided, single submitter. Criteria: Ambry Variant Classification Scheme 2023. Collection method: clinical testing. Allele origin: germline.
Comment: The p.H1203D variant (also known as c.3607C>G), located in coding exon 7 of the MSH6 gene, results from a C to G substitution at nucleotide position 3607. The histidine at codon 1203 is replaced by aspartic acid, an amino acid with similar properties. This amino acid position is highly conserved in available vertebrate species. In addition, this alteration is predicted to be deleterious by in silico analysis. Based on the available evidence, the clinical significance of this variant remains unclear.

Labcorp Genetics (formerly Invitae), Labcorp
Classification: Uncertain significance for Hereditary nonpolyposis colorectal neoplasms. Last evaluated: 2025-02-07. Review status: criteria provided, single submitter. Criteria: Invitae Variant Classification Sherloc (09022015). Collection method: clinical testing. Allele origin: germline.
Comment: This sequence change replaces histidine, which is basic and polar, with aspartic acid, which is acidic and polar, at codon 1203 of the MSH6 protein (p.His1203Asp). This variant is not present in population databases (gnomAD no frequency). This variant has not been reported in the literature in individuals affected with MSH6-related conditions. Invitae Evidence Modeling of protein sequence and biophysical properties (such as structural, functional, and spatial information, amino acid conservation, physicochemical variation, residue mobility, and thermodynamic stability) has been performed for this missense variant. However, the output from this modeling did not meet the statistical confidence thresholds required to predict the impact of this variant on MSH6 protein function. In summary, the available evidence is currently insufficient to determine the role of this variant in disease. Therefore, it has been classified as a Variant of Uncertain Significance.

NM_000179.3(MSH6):c.3607C>G (p.His1203Asp)

Gene: MSH6 (mutS homolog 6; plus strand). Cytogenetic location: 2p16.3.
Variant type: single nucleotide variant.
Coding change: c.3607C>G on transcript NM_000179.3 (MANE Select); coding-DNA position 3607, C replaced by G.
Protein change: p.His1203Asp; replaces histidine 1203 with aspartic acid.
Molecular consequence: missense variant. On other transcripts: non-coding transcript variant (5).
Genome position (GRCh38, 1-based): chr2:47,805,668, C>G. VCF-style: chr2-47805668-C-G. GRCh37 (hg19) VCF-style: chr2-48032807-C-G.
Other names: c.3310C>G, p.His1104Asp (NM_001406825.1, NM_001406827.1, NM_001406828.1 and 10 more transcripts); c.3439C>G, p.His1147Asp (NM_001406826.1); c.2701C>G, p.His901Asp (NM_001406829.1, NM_001281493.2, NM_001281494.2 and 6 more transcripts); c.388C>G, p.His130Asp (NM_001406831.1); c.454C>G, p.His152Asp (NM_001406832.1); c.1552C>G, p.His518Asp (NM_001407362.1); c.3217C>G, p.His1073Asp (NM_001281492.2); c.3703C>G, p.His1235Asp (NM_001406795.1, NM_001406802.1); and 7 more; short protein forms H1028D, H1073D, H1104D, H1145D, H1147D, H1177D, H1203D, H1205D.
Identifiers: ClinVar variation 4800231 (VCV004800231.2).